The following is an entry in ClinVar:

NM_000751.3(CHRND):c.577T>C (p.Tyr193His)

Gene: CHRND (cholinergic receptor nicotinic delta subunit; plus strand). Cytogenetic location: 2q37.1.
Variant type: single nucleotide variant.
Coding change: c.577T>C on transcript NM_000751.3 (MANE Select); coding-DNA position 577, T replaced by C.
Protein change: p.Tyr193His; replaces tyrosine 193 with histidine.
Molecular consequence: missense variant. On other transcripts: intron variant (1).
Genome position (GRCh38, 1-based): chr2:232,528,929, T>C. VCF-style: chr2-232528929-T-C. GRCh37 (hg19) VCF-style: chr2-233393639-T-C.
Other names: c.238+273T>C (NM_001311195.2); c.532T>C, p.Tyr178His (NM_001256657.2); c.274T>C, p.Tyr92His (NM_001311196.2); short protein forms Y178H, Y193H, Y92H.
Identifiers: ClinVar variation 1699864 (VCV001699864.2), dbSNP rs2106208983, ClinGen allele CA350999119.

ClinVar aggregate classification (germline): Uncertain significance (1 of 4 stars; one submission).

Submission:

GeneDx
Classification: Uncertain significance. Last evaluated: 2022-01-27. Review status: criteria provided, single submitter. Criteria: GeneDx Variant Classification Process June 2021. Collection method: clinical testing. Allele origin: germline. Affected: yes.
Comment: Not observed at significant frequency in large population cohorts (gnomAD); In silico analysis supports that this missense variant does not alter protein structure/function; Has not been previously published as pathogenic or benign to our knowledge